The following is an entry in ClinVar:

NM_007327.4(GRIN1):c.870G>T (p.Gln290His)

Gene: GRIN1 (glutamate ionotropic receptor NMDA type subunit 1; plus strand). Cytogenetic location: 9q34.3.
Variant type: single nucleotide variant.
Coding change: c.870G>T on transcript NM_007327.4 (MANE Select); coding-DNA position 870, G replaced by T.
Protein change: p.Gln290His; replaces glutamine 290 with histidine.
Molecular consequence: missense variant.
Genome position (GRCh38, 1-based): chr9:137,156,939, G>T. VCF-style: chr9-137156939-G-T. GRCh37 (hg19) VCF-style: chr9-140051391-G-T.
Other names: c.870G>T, p.Gln290His (NM_000832.7, NM_021569.4); c.933G>T, p.Gln311His (NM_001185090.2, NM_001185091.2); short protein forms Q290H, Q311H.
Identifiers: ClinVar variation 2007776 (VCV002007776.4), dbSNP rs781512304, ClinGen allele CA5360777.

ClinVar aggregate classification (germline): Uncertain significance (1 of 4 stars; one submission).

Conditions:
Neurodevelopmental disorder with or without hyperkinetic movements and seizures, autosomal dominant. Also called: Intellectual disability, autosomal dominant 8. Identifiers: MedGen C3280282, MONDO:0013655, OMIM 614254.

Allele frequency attached by ClinVar (database versions not stated): gnomAD exomes below 0.00001; ExAC 0.00001.
gnomAD v4.1: 1 of 1,612,180 alleles (0.000062%); highest among the groups gnomAD compares: Admixed American, 0.0017%; no homozygotes.

Submission:

Labcorp Genetics (formerly Invitae), Labcorp
Classification: Uncertain significance for Neurodevelopmental disorder with or without hyperkinetic movements and seizures, autosomal dominant. Last evaluated: 2022-06-20. Review status: criteria provided, single submitter. Criteria: Invitae Variant Classification Sherloc (09022015). Collection method: clinical testing. Allele origin: germline.
Comment: In summary, the available evidence is currently insufficient to determine the role of this variant in disease. Therefore, it has been classified as a Variant of Uncertain Significance. Advanced modeling of protein sequence and biophysical properties (such as structural, functional, and spatial information, amino acid conservation, physicochemical variation, residue mobility, and thermodynamic stability) performed at Invitae indicates that this missense variant is expected to disrupt GRIN1 protein function. This variant has not been reported in the literature in individuals affected with GRIN1-related conditions. This variant is present in population databases (rs781512304, gnomAD 0.003%). This sequence change replaces glutamine, which is neutral and polar, with histidine, which is basic and polar, at codon 290 of the GRIN1 protein (p.Gln290His).